The following is an entry in ClinVar:

ClinVar aggregate classification (germline): Pathogenic. Review status: criteria provided, multiple submitters, no conflicts (2 of 4 stars). 2 submissions from 2 submitters: Pathogenic (2). Last evaluated 2024-12-19.

Conditions:
Primary ciliary dyskinesia. Also called: Ciliary dyskinesia. Identifiers: Orphanet 244, MedGen C0008780, MONDO:0016575, HP:0012265.
Primary ciliary dyskinesia 3. Identifiers: Orphanet 244, MedGen C1837618, MONDO:0012085, OMIM 608644.

Submissions (2):

Myriad Genetics, Inc.
Classification: Pathogenic for Primary ciliary dyskinesia 3. Last evaluated: 2024-12-19. Review status: criteria provided, single submitter. Criteria: Myriad Autosomal Dominant, Autosomal Recessive and X-Linked Classification Criteria (2023). Collection method: clinical testing. Allele origin: unknown.
Comment: NM_001369.2(DNAH5):c.13331G>A(W4444*) is expected to be pathogenic in the context of primary ciliary dyskinesia, DNAH5-related. This variant is predicted to lead to an abnormal or absent protein product due to the creation of a premature termination codon in DNAH5, a gene where loss-of-function variants are known to be pathogenic. Please note: this variant was assessed in the context of healthy population screening.

Labcorp Genetics (formerly Invitae), Labcorp
Classification: Pathogenic for Primary ciliary dyskinesia. Last evaluated: 2016-11-30. Review status: criteria provided, single submitter. Criteria: Invitae Variant Classification Sherloc (09022015). Collection method: clinical testing. Allele origin: germline.
Comment: For these reasons, this variant has been classified as Pathogenic. While this particular variant has not been reported in the literature, loss-of-function variants in DNAH5 are known to be pathogenic (PMID: 16627867, 11788826). This sequence change creates a premature translational stop signal at codon 4444 (p.Trp4444*) of the DNAH5 gene. It is expected to result in an absent or disrupted protein product.

Literature cited by the submitters: PubMed 16627867 (cited by Labcorp Genetics (formerly Invitae), Labcorp); PubMed 11788826 (cited by Labcorp Genetics (formerly Invitae), Labcorp).

NM_001369.3(DNAH5):c.13331G>A (p.Trp4444Ter)

Gene: DNAH5 (dynein axonemal heavy chain 5; minus strand). Cytogenetic location: 5p15.2.
Variant type: single nucleotide variant.
Coding change: c.13331G>A on transcript NM_001369.3 (MANE Select); coding-DNA position 13331, G replaced by A.
Protein change: p.Trp4444Ter; replaces tryptophan 4444 with a stop codon.
Molecular consequence: nonsense.
Genome position (GRCh38, 1-based): chr5:13,708,130, C>T on the plus strand (G>A on the coding strand, the complement: DNAH5 is on the minus strand). VCF-style: chr5-13708130-C-T. GRCh37 (hg19) VCF-style: chr5-13708239-C-T.
Other names: short protein forms W4444*.
Identifiers: ClinVar variation 407247 (VCV000407247.8), dbSNP rs1060501467, ClinGen allele CA16611863.
Genomic context (GRCh38, chr5:13,708,130, plus strand): 5'-AACTCTTCACAATCATAAGTGAACAGGCAGAATAACAGCAGGCTTATACGTACTTTTTTC[C>T]ACCAAGCAGGGATTCTAGCATCAAACATGCAATCCAATGCATCTCGCAGATTTTCGCTCA-3'